The following is an entry in ClinVar:

NM_000245.4(MET):c.4052A>G (p.His1351Arg)

Gene: MET (MET proto-oncogene, receptor tyrosine kinase; plus strand). Cytogenetic location: 7q31.2.
Variant type: single nucleotide variant.
Coding change: c.4052A>G on transcript NM_000245.4 (MANE Select); coding-DNA position 4052, A replaced by G.
Protein change: p.His1351Arg; replaces histidine 1351 with arginine.
Molecular consequence: missense variant.
Genome position (GRCh38, 1-based): chr7:116,796,003, A>G. VCF-style: chr7-116796003-A-G. GRCh37 (hg19) VCF-style: chr7-116436057-A-G.
Other names: c.4106A>G (NM_001127500.1); c.4106A>G, p.His1369Arg (NM_001127500.3); c.2762A>G, p.His921Arg (NM_001324402.2); short protein forms H921R, H1351R, H1369R.
Identifiers: ClinVar variation 1503765 (VCV001503765.14), dbSNP rs1490801483, ClinGen allele CA369118296.

ClinVar aggregate classification (germline): Uncertain significance. Review status: criteria provided, multiple submitters, no conflicts (2 of 4 stars). 3 submissions from 3 submitters: Uncertain significance (3). Last evaluated 2025-03-04.

Conditions:
Renal cell carcinoma. Identifiers: Orphanet 217071, MedGen C0007134, MeSH D002292, MONDO:0005086, HP:0005584.
Hereditary cancer-predisposing syndrome. Also called: Hereditary neoplastic syndrome; Tumor predisposition; Neoplastic Syndromes, Hereditary; Hereditary Cancer Syndrome. Identifiers: Orphanet 140162, MedGen C0027672, MeSH D009386, MONDO:0015356.

gnomAD v4.1: 1 of 1,613,972 alleles (0.000062%); no homozygotes.

Submissions (3):

Center for Genomic Medicine, Rigshospitalet, Copenhagen University Hospital
Classification: Uncertain significance. Last evaluated: 2025-03-04. Review status: criteria provided, single submitter. Criteria: ACMG Guidelines, 2015. Collection method: clinical testing. Allele origin: germline.

Ambry Genetics
Classification: Uncertain significance for Hereditary cancer-predisposing syndrome. Last evaluated: 2023-08-29. Review status: criteria provided, single submitter. Criteria: Ambry Variant Classification Scheme 2023. Collection method: clinical testing. Allele origin: germline.
Comment: The p.H1369R variant (also known as c.4106A>G), located in coding exon 20 of the MET gene, results from an A to G substitution at nucleotide position 4106. The histidine at codon 1369 is replaced by arginine, an amino acid with highly similar properties. This amino acid position is conserved. In addition, this alteration is predicted to be tolerated by in silico analysis. Since supporting evidence is limited at this time, the clinical significance of this alteration remains unclear.

Labcorp Genetics (formerly Invitae), Labcorp
Classification: Uncertain significance for Renal cell carcinoma. Last evaluated: 2021-04-11. Review status: criteria provided, single submitter. Criteria: Invitae Variant Classification Sherloc (09022015). Collection method: clinical testing. Allele origin: germline.
Comment: In summary, the available evidence is currently insufficient to determine the role of this variant in disease. Therefore, it has been classified as a Variant of Uncertain Significance. Algorithms developed to predict the effect of missense changes on protein structure and function (SIFT, PolyPhen-2, Align-GVGD) all suggest that this variant is likely to be tolerated, but these predictions have not been confirmed by published functional studies and their clinical significance is uncertain. This variant has not been reported in the literature in individuals with MET-related conditions. This variant is not present in population databases (ExAC no frequency). This sequence change replaces histidine with arginine at codon 1369 of the MET protein (p.His1369Arg). The histidine residue is moderately conserved and there is a small physicochemical difference between histidine and arginine.